The following is an entry in ClinVar:

ClinVar aggregate classification (germline): Uncertain significance (1 of 4 stars; one submission).

Conditions:
Amyotrophic lateral sclerosis type 1 (ALS1). Also called: AMYOTROPHIC LATERAL SCLEROSIS 1, FAMILIAL. Identifiers: Orphanet 803, MedGen C1862939, MONDO:0007103, OMIM 105400.
Neuronopathy, distal hereditary motor, type 7B. Also called: HMN VIIB; LOWER MOTOR NEURON DISEASE, DYNACTIN TYPE; NEURONOPATHY, DISTAL HEREDITARY MOTOR, AUTOSOMAL DOMINANT 14; NEURONOPATHY, DISTAL HEREDITARY MOTOR, HARDING TYPE VIIB; NEUROPATHY, DISTAL HEREDITARY MOTOR, HARDING TYPE VIIB; NEUROPATHY, DISTAL HEREDITARY MOTOR, WITH VOCAL CORD PARALYSIS, HARDING TYPE VIIB. Identifiers: Orphanet 139589, MedGen C1843315, MONDO:0011879, OMIM 607641.
Perry syndrome. Also called: PARKINSONISM WITH ALVEOLAR HYPOVENTILATION AND MENTAL DEPRESSION. Identifiers: Orphanet 178509, MedGen C1868594, MONDO:0008201, OMIM 168605.

Submission:

Labcorp Genetics (formerly Invitae), Labcorp
Classification: Uncertain significance for Amyotrophic lateral sclerosis type 1; Neuronopathy, distal hereditary motor, type 7B; Perry syndrome. Last evaluated: 2023-03-29. Review status: criteria provided, single submitter. Criteria: Invitae Variant Classification Sherloc (09022015). Collection method: clinical testing. Allele origin: germline.
Comment: In summary, the available evidence is currently insufficient to determine the role of this variant in disease. Therefore, it has been classified as a Variant of Uncertain Significance. Variants that disrupt the consensus splice site are a relatively common cause of aberrant splicing (PMID: 17576681, 9536098). Algorithms developed to predict the effect of sequence changes on RNA splicing suggest that this variant may disrupt the consensus splice site. This variant is not present in population databases (gnomAD no frequency). This variant has not been reported in the literature in individuals affected with DCTN1-related conditions. This sequence change falls in intron 25 of the DCTN1 gene. It does not directly change the encoded amino acid sequence of the DCTN1 protein. It affects a nucleotide within the consensus splice site.

Literature cited by the submitters: PubMed 17576681; PubMed 9536098.

NM_004082.5(DCTN1):c.3029+5G>A

Gene: DCTN1 (dynactin subunit 1; minus strand). Cytogenetic location: 2p13.1.
Variant type: single nucleotide variant.
Coding change: c.3029+5G>A on transcript NM_004082.5 (MANE Select); 5 bases into the intron after coding-DNA position 3029, G replaced by A.
Molecular consequence: intron variant.
Genome position (GRCh38, 1-based): chr2:74,365,510, C>T on the plus strand (G>A on the coding strand, the complement: DCTN1 is on the minus strand). VCF-style: chr2-74365510-C-T. GRCh37 (hg19) VCF-style: chr2-74592637-C-T.
Other names: c.2918+5G>A (NM_001190836.2); c.2960+5G>A (NM_001378992.1); c.2978+5G>A (NM_001378991.1); c.2969+5G>A (NM_001135040.3); c.3008+5G>A (NM_001190837.2); c.2627+5G>A (NM_001135041.3, NM_023019.4).
Identifiers: ClinVar variation 2945937 (VCV002945937.3), dbSNP rs2529104046, ClinGen allele CA2740095651.
Genomic context (GRCh38, chr2:74,365,510, plus strand): 5'-AGGAGGCAGAGAGCTCCAGCAGTGGGAGGATTAGAGGAAGCAAGGCCCCAGGGAAAGTGC[C>T]TGACTTCTCCTTCTTTCGCAGCAGTGCCTGGGTCTCCTCCAGCCGAGTCTGGACTTTCTC-3'